The following is an entry in ClinVar:

ClinVar aggregate classification (germline): Uncertain significance (1 of 4 stars; one submission).

Conditions:
Hereditary cancer-predisposing syndrome. Also called: Tumor predisposition; Hereditary Cancer Syndrome; Hereditary neoplastic syndrome; Neoplastic Syndromes, Hereditary. Identifiers: Orphanet 140162, MedGen C0027672, MeSH D009386, MONDO:0015356.

Submission:

Ambry Genetics
Classification: Uncertain significance for Hereditary cancer-predisposing syndrome. Last evaluated: 2024-04-17. Review status: criteria provided, single submitter. Criteria: Ambry Variant Classification Scheme 2023. Collection method: clinical testing. Allele origin: germline.
Comment: The p.S384I variant (also known as c.1151G>T), located in coding exon 9 of the APC gene, results from a G to T substitution at nucleotide position 1151. The serine at codon 384 is replaced by isoleucine, an amino acid with dissimilar properties. This amino acid position is conserved. In addition, in silico predictors for this gene do not accurately predict pathogenicity. Based on the available evidence, the clinical significance of this variant remains unclear.

NM_000038.6(APC):c.1151G>T (p.Ser384Ile)

Gene: APC (APC regulator of Wnt signaling pathway; plus strand). Cytogenetic location: 5q22.2.
Variant type: single nucleotide variant.
Coding change: c.1151G>T on transcript NM_000038.6 (MANE Select); coding-DNA position 1151, G replaced by T.
Protein change: p.Ser384Ile; replaces serine 384 with isoleucine.
Molecular consequence: missense variant. On other transcripts: intron variant (15), non-coding transcript variant (2).
Genome position (GRCh38, 1-based): chr5:112,819,183, G>T. VCF-style: chr5-112819183-G-T. GRCh37 (hg19) VCF-style: chr5-112154880-G-T.
Other names: c.757-86G>T (NM_001354905.2); c.1151G>T, p.Ser384Ile (NM_001127510.3, NM_001354895.2, NM_001354896.2 and 4 more transcripts); c.1097G>T, p.Ser366Ile (NM_001127511.3); c.1181G>T, p.Ser394Ile (NM_001354897.2, NM_001407446.1); c.1076G>T, p.Ser359Ile (NM_001354898.2, NM_001407451.1); c.1067G>T, p.Ser356Ile (NM_001354899.2, NM_001407452.1); c.974G>T, p.Ser325Ile (NM_001354900.2, NM_001354901.2, NM_001407453.1); c.302G>T, p.Ser101Ile (NM_001354906.2, NM_001407470.1); and 5 more; short protein forms S384I, S394I, S101I, S325I, S356I, S366I, S359I.
Identifiers: ClinVar variation 3304821 (VCV003304821.1).